The following is an entry in ClinVar:

ClinVar aggregate classification (germline): Likely benign. Review status: criteria provided, multiple submitters, no conflicts (2 of 4 stars). 2 submissions from 2 submitters: Likely benign (2). Last evaluated 2024-06-17.

Conditions:
Von Hippel-Lindau syndrome (VHLS). Also called: Von Hippel-Lindau; von Hippel–Lindau syndrome; VHL syndrome. Identifiers: Orphanet 892, MedGen C0019562, MONDO:0008667, OMIM 193300. Disease mechanism: loss of function.
Chuvash polycythemia. Also called: POLYCYTHEMIA, VHL-DEPENDENT. Identifiers: Orphanet 238557, MedGen C1837915, MONDO:0009892, OMIM 263400.

Submissions (2):

Labcorp Genetics (formerly Invitae), Labcorp
Classification: Likely benign for Von Hippel-Lindau syndrome; Chuvash polycythemia. Last evaluated: 2024-06-17. Review status: criteria provided, single submitter. Criteria: Invitae Variant Classification Sherloc (09022015). Collection method: clinical testing. Allele origin: germline.

All of Us Research Program, National Institutes of Health
Classification: Likely benign for Von Hippel-Lindau syndrome. Last evaluated: 2023-11-20. Review status: criteria provided, single submitter. Criteria: ACMG Guidelines, 2015. Collection method: clinical testing. Allele origin: germline. Inheritance: Autosomal dominant inheritance. Observed: 1 variant allele, 1 heterozygote.
Comment: This study involves interpretation of variants in research participants for the purpose of population health screening. Participant phenotype was not available at the time of variant classification. Additional details can be found in publication PMID: 35346344, PMCID: PMC8962531

NM_000551.4(VHL):c.315G>T (p.Thr105=)

Gene: VHL (von Hippel-Lindau tumor suppressor; plus strand). Cytogenetic location: 3p25.3.
Variant type: single nucleotide variant.
Coding change: c.315G>T on transcript NM_000551.4 (MANE Select); coding-DNA position 315, G replaced by T.
Protein change: p.Thr105=; no amino-acid change (threonine 105 retained).
Molecular consequence: synonymous variant.
Genome position (GRCh38, 1-based): chr3:10,142,162, G>T. VCF-style: chr3-10142162-G-T. GRCh37 (hg19) VCF-style: chr3-10183846-G-T.
Other names: c.315G>T, p.Thr105= (NM_001354723.2, NM_198156.3).
Identifiers: ClinVar variation 1128655 (VCV001128655.12), dbSNP rs769102979, ClinGen allele CA432420549.
Genomic context (GRCh38, chr3:10,142,162, plus strand): 5'-GCCCGTATGGCTCAACTTCGACGGCGAGCCGCAGCCCTACCCAACGCTGCCGCCTGGCAC[G>T]GGCCGCCGCATCCACAGCTACCGAGGTACGGGCCCGGCGCTTAGGCCCGACCCAGCAGGG-3'
Protein context (NP_000542.1, residues 95-115): PQPYPTLPPG[Thr105=]GRRIHSYRGH